The following is an entry in ClinVar:

ClinVar aggregate classification (germline): Pathogenic (1 of 4 stars; one submission).

Conditions:
Glycine encephalopathy. Also called: Nonketotic hyperglycinemia; Non-ketotic hyperglycinemia. Identifiers: Orphanet 407, MedGen C0751748, MONDO:0011612, HP:0008288.

Submission:

Labcorp Genetics (formerly Invitae), Labcorp
Classification: Pathogenic for Glycine encephalopathy. Last evaluated: 2021-10-17. Review status: criteria provided, single submitter. Criteria: Invitae Variant Classification Sherloc (09022015). Collection method: clinical testing. Allele origin: germline.
Comment: This variant is a gross deletion of the genomic region encompassing exon(s) 5-8 of the GLDC gene. This deletion is out-of-frame, and is expected to create a premature termination codon and result in an absent or disrupted protein product. Loss-of-function variants in GLDC are known to be pathogenic (PMID: 16601880). A similar copy number variant has been observed in individual(s) with clinical features of glycine encephalopathy (PMID: 17361008, 26179960). For these reasons, this variant has been classified as Pathogenic.

Literature cited by the submitters: PubMed 16601880; PubMed 17361008; PubMed 26179960.

NC_000009.11:g.(?_6602018)_(6606679_?)del

Gene: GLDC (glycine decarboxylase; minus strand). Cytogenetic location: 9p24.1.
Variant type: Deletion.
Identifiers: ClinVar variation 1400197 (VCV001400197.6).